The following is an entry in ClinVar:

NM_001429.4(EP300):c.4509T>C (p.Tyr1503=)

Gene: EP300 (EP300 lysine acetyltransferase; plus strand). Cytogenetic location: 22q13.2.
Variant type: single nucleotide variant.
Coding change: c.4509T>C on transcript NM_001429.4 (MANE Select); coding-DNA position 4509, T replaced by C.
Protein change: p.Tyr1503=; no amino-acid change (tyrosine 1503 retained).
Molecular consequence: synonymous variant.
Genome position (GRCh38, 1-based): chr22:41,172,555, T>C. VCF-style: chr22-41172555-T-C. GRCh37 (hg19) VCF-style: chr22-41568559-T-C.
Other names: c.4431T>C, p.Tyr1477= (NM_001362843.2); c.4509T>C (NM_001429.3).
Identifiers: ClinVar variation 1596017 (VCV001596017.12), dbSNP rs373428278, ClinGen allele CA10253449.

ClinVar aggregate classification (germline): Likely benign. Review status: criteria provided, multiple submitters, no conflicts (2 of 4 stars). 3 submissions from 3 submitters: Likely benign (2). 1 of the submissions does not count toward it. Last evaluated 2025-03-17.

Conditions:
EP300-related disorder. Also called: EP300-related disorders; EP300-related condition.
Rubinstein-Taybi syndrome due to EP300 haploinsufficiency. Also called: EP300-Related Rubinstein-Taybi Syndrome; RUBINSTEIN-TAYBI SYNDROME 2. Identifiers: Orphanet 353284, Orphanet 783, MedGen C3150941, MONDO:0013364, OMIM 613684.

Allele frequency attached by ClinVar (database versions not stated): ExAC 0.00001; gnomAD 0.00001 and 0.00002; gnomAD exomes 0.00001 and 0.00004; TOPMed 0.00004; ESP Exome Variant Server 0.00008.
gnomAD v4.1: 55 of 1,613,932 alleles (0.0034%); highest among the groups gnomAD compares: Non-Finnish European, 0.0046%; no homozygotes.

Submissions (3):

Labcorp Genetics (formerly Invitae), Labcorp
Classification: Likely benign for Rubinstein-Taybi syndrome due to EP300 haploinsufficiency. Last evaluated: 2025-03-17. Review status: criteria provided, single submitter. Criteria: Invitae Variant Classification Sherloc (09022015). Collection method: clinical testing. Allele origin: germline.

Blueprint Genetics
Classification: Likely benign. Last evaluated: 2022-10-20. Review status: criteria provided, single submitter. Criteria: ACMG Guidelines, 2015. Collection method: clinical testing. Allele origin: germline.

PreventionGenetics, part of Exact Sciences
Classification: Likely benign for EP300-related condition. Last evaluated: 2022-09-27. Review status: no assertion criteria provided. Collection method: clinical testing. Allele origin: germline. Not counted in ClinVar's aggregate classification.
Comment: This variant is classified as likely benign based on ACMG/AMP sequence variant interpretation guidelines (Richards et al. 2015 PMID: 25741868, with internal and published modifications).